The following is an entry in ClinVar:

NM_203447.4(DOCK8):c.2501G>A (p.Ser834Asn)

Gene: DOCK8 (dedicator of cytokinesis 8; plus strand). Cytogenetic location: 9p24.3.
Variant type: single nucleotide variant.
Coding change: c.2501G>A on transcript NM_203447.4 (MANE Select); coding-DNA position 2501, G replaced by A.
Protein change: p.Ser834Asn; replaces serine 834 with asparagine.
Molecular consequence: missense variant.
Genome position (GRCh38, 1-based): chr9:379,831, G>A. VCF-style: chr9-379831-G-A. GRCh37 (hg19) VCF-style: chr9-379831-G-A.
Other names: p.Ser834Asn; c.2297G>A, p.Ser766Asn (NM_001190458.2, NM_001193536.2); short protein forms S766N, S834N.
Identifiers: ClinVar variation 4541413 (VCV004541413.1).

ClinVar aggregate classification (germline): Uncertain significance (1 of 4 stars; one submission).

Submission:

Mayo Clinic Laboratories, Mayo Clinic
Classification: Uncertain significance. Last evaluated: 2025-10-13. Review status: criteria provided, single submitter. Criteria: ACMG Guidelines, 2015. Collection method: clinical testing. Allele origin: germline. Observed: 1 variant allele.
Comment: PM2_supporting